The following is an entry in ClinVar:

NM_001447.3(FAT2):c.3923C>T (p.Ala1308Val)

Genes: FAT2 (FAT atypical cadherin 2; minus strand), SLC36A1 (solute carrier family 36 member 1; plus strand). Cytogenetic location: 5q33.1.
Variant type: single nucleotide variant.
Coding change: c.3923C>T on transcript NM_001447.3 (MANE Select); coding-DNA position 3923, C replaced by T.
Protein change: p.Ala1308Val; replaces alanine 1308 with valine.
Molecular consequence: missense variant.
Genome position (GRCh38, 1-based): chr5:151,554,384, G>A on the plus strand (C>T on the coding strand, the complement: FAT2 is on the minus strand). VCF-style: chr5-151554384-G-A. GRCh37 (hg19) VCF-style: chr5-150933945-G-A.
Other names: short protein forms A1308V.
Identifiers: ClinVar variation 3610113 (VCV003610113.2).
Genomic context (GRCh38, chr5:151,554,384, plus strand): 5'-GCCACTCCTCCCTCCGTGGCTTCCTTCTGTCTGCTCACCGTTAGGATGTTGTACTCTCCA[G>A]CTGTAAAAGTGCTGCTGGATGAAACCACACCTGTGACCAGGTCGATACTGAAGGCCTCCT-3'
Protein context (NP_001438.1, residues 1298-1318): GVVSSSSTFT[Ala1308Val]GEYNILTIKA

ClinVar aggregate classification (germline): Uncertain significance (1 of 4 stars; one submission).

gnomAD v4.1: 15 of 1,614,132 alleles (0.00093%); highest among the groups gnomAD compares: African/African-American, 0.017%; no homozygotes.

Submission:

Labcorp Genetics (formerly Invitae), Labcorp
Classification: Uncertain significance. Last evaluated: 2025-06-12. Review status: criteria provided, single submitter. Criteria: Invitae Variant Classification Sherloc (09022015). Collection method: clinical testing. Allele origin: germline.
Comment: This sequence change replaces alanine, which is neutral and non-polar, with valine, which is neutral and non-polar, at codon 1308 of the FAT2 protein (p.Ala1308Val). This variant is present in population databases (rs566770758, gnomAD 0.01%). This variant has not been reported in the literature in individuals affected with FAT2-related conditions. ClinVar contains an entry for this variant (Variation ID: 3610113). An algorithm developed to predict the effect of missense changes on protein structure and function (PolyPhen-2) suggests that this variant is likely to be tolerated. In summary, the available evidence is currently insufficient to determine the role of this variant in disease. Therefore, it has been classified as a Variant of Uncertain Significance.